The following is an entry in ClinVar:

ClinVar aggregate classification (germline): Uncertain significance. Review status: criteria provided, multiple submitters, no conflicts (2 of 4 stars). 3 submissions from 3 submitters: Uncertain significance (3). Last evaluated 2026-03-07.

Conditions:
DCC-related disorder. Also called: DCC-related condition.
Inborn genetic diseases. Identifiers: MedGen C0950123, MeSH D030342.

Allele frequency attached by ClinVar (database versions not stated): gnomAD exomes below 0.00001; gnomAD 0.00001; TOPMed 0.00005.
gnomAD v4.1: 2 of 1,614,034 alleles (0.00012%); highest among the groups gnomAD compares: Admixed American, 0.0033%; no homozygotes.

Submissions (3):

PreventionGenetics, part of Exact Sciences
Classification: Uncertain significance for DCC-related condition. Last evaluated: 2026-03-07. Review status: criteria provided, single submitter. Criteria: ACMG Guidelines, 2015. Collection method: clinical testing. Allele origin: germline.
Comment: The DCC c.250G>A variant is predicted to result in the amino acid substitution p.Gly84Arg. To our knowledge, this variant has not been reported in the literature or in a large population database (gnomAD), indicating this variant is rare. At this time, the clinical significance of this variant is uncertain due to the absence of conclusive functional and genetic evidence.

GeneDx
Classification: Uncertain significance. Last evaluated: 2023-11-19. Review status: criteria provided, single submitter. Criteria: GeneDx Variant Classification Process June 2021. Collection method: clinical testing. Allele origin: germline. Affected: yes.
Comment: Not observed at significant frequency in large population cohorts (gnomAD); In silico analysis supports that this missense variant does not alter protein structure/function; Has not been previously published as pathogenic or benign to our knowledge

Ambry Genetics
Classification: Uncertain significance for Inborn genetic diseases. Last evaluated: 2021-09-27. Review status: criteria provided, single submitter. Criteria: Ambry Variant Classification Scheme 2023. Collection method: clinical testing. Allele origin: germline.

NM_005215.4(DCC):c.250G>A (p.Gly84Arg)

Gene: DCC (DCC netrin 1 receptor; plus strand). Cytogenetic location: 18q21.2.
Variant type: single nucleotide variant.
Coding change: c.250G>A on transcript NM_005215.4 (MANE Select); coding-DNA position 250, G replaced by A.
Protein change: p.Gly84Arg; replaces glycine 84 with arginine.
Molecular consequence: missense variant.
Genome position (GRCh38, 1-based): chr18:52,752,212, G>A. VCF-style: chr18-52752212-G-A. GRCh37 (hg19) VCF-style: chr18-50278582-G-A.
Other names: short protein forms G84R.
Identifiers: ClinVar variation 2386158 (VCV002386158.4), dbSNP rs1033102782, ClinGen allele CA300636131.